The following is an entry in ClinVar:

NM_001103.4(ACTN2):c.604A>G (p.Lys202Glu)

Gene: ACTN2 (actinin alpha 2; plus strand). Cytogenetic location: 1q43.
Variant type: single nucleotide variant.
Coding change: c.604A>G on transcript NM_001103.4 (MANE Select); coding-DNA position 604, A replaced by G.
Protein change: p.Lys202Glu; replaces lysine 202 with glutamic acid.
Molecular consequence: missense variant. On other transcripts: non-coding transcript variant (1).
Genome position (GRCh38, 1-based): chr1:236,727,745, A>G. VCF-style: chr1-236727745-A-G. GRCh37 (hg19) VCF-style: chr1-236891045-A-G.
Other names: c.604A>G, p.Lys202Glu (NM_001278343.2); short protein forms K202E.
Identifiers: ClinVar variation 4791754 (VCV004791754.1).

ClinVar aggregate classification (germline): Uncertain significance (1 of 4 stars; one submission).

Conditions:
Dilated cardiomyopathy 1AA (CMD1AA). Also called: CARDIOMYOPATHY, DILATED, 1AA, WITH OR WITHOUT LEFT VENTRICULAR NONCOMPACTION; CARDIOMYOPATHY, FAMILIAL HYPERTROPHIC, 23, WITH OR WITHOUT LEFT VENTRICULAR NONCOMPACTION; Cardiomyopathy, dilated, 1AA, with or without LVNC. Identifiers: Orphanet 154, MedGen C2677338, MONDO:0012808, OMIM 612158.
Primary familial hypertrophic cardiomyopathy (HCM). Identifiers: Orphanet 99739, MedGen C0949658, MeSH D024741, MONDO:0024573. Inheritance: Various modes of inheritance.

gnomAD v4.1: 1 of 1,614,030 alleles (0.000062%); highest among the groups gnomAD compares: Non-Finnish European, 0.000085%; no homozygotes.

Submission:

Labcorp Genetics (formerly Invitae), Labcorp
Classification: Uncertain significance for Primary familial hypertrophic cardiomyopathy; Dilated cardiomyopathy 1AA. Last evaluated: 2025-02-25. Review status: criteria provided, single submitter. Criteria: Invitae Variant Classification Sherloc (09022015). Collection method: clinical testing. Allele origin: germline.
Comment: This sequence change replaces lysine, which is basic and polar, with glutamic acid, which is acidic and polar, at codon 202 of the ACTN2 protein (p.Lys202Glu). This variant is not present in population databases (gnomAD no frequency). This variant has not been reported in the literature in individuals affected with ACTN2-related conditions. Invitae Evidence Modeling of protein sequence and biophysical properties (such as structural, functional, and spatial information, amino acid conservation, physicochemical variation, residue mobility, and thermodynamic stability) indicates that this missense variant is not expected to disrupt ACTN2 protein function with a negative predictive value of 80%. In summary, the available evidence is currently insufficient to determine the role of this variant in disease. Therefore, it has been classified as a Variant of Uncertain Significance.